The following is an entry in ClinVar:

NM_201384.3(PLEC):c.269G>A (p.Arg90Gln)

Gene: PLEC (plectin; minus strand). Cytogenetic location: 8q24.3.
Variant type: single nucleotide variant.
Coding change: c.269G>A on transcript NM_201384.3 (MANE Select); coding-DNA position 269, G replaced by A.
Protein change: p.Arg90Gln; replaces arginine 90 with glutamine.
Molecular consequence: missense variant.
Genome position (GRCh38, 1-based): chr8:143,937,238, C>T on the plus strand (G>A on the coding strand, the complement: PLEC is on the minus strand). VCF-style: chr8-143937238-C-T. GRCh37 (hg19) VCF-style: chr8-145011406-C-T.
Other names: c.350G>A (NM_000445.3, NM_000445.4); c.350G>A, p.Arg117Gln (NM_000445.5, NM_001410941.1); c.227G>A, p.Arg76Gln (NM_201378.4); c.203G>A, p.Arg68Gln (NM_201379.3); c.680G>A, p.Arg227Gln (NM_201380.4); c.173G>A, p.Arg58Gln (NM_201381.3); c.269G>A, p.Arg90Gln (NM_201382.4); c.281G>A, p.Arg94Gln (NM_201383.3); short protein forms R58Q, R94Q, R90Q, R117Q, R227Q, R68Q, R76Q.
Identifiers: ClinVar variation 2051754 (VCV002051754.9), dbSNP rs782376931, ClinGen allele CA4928504.

ClinVar aggregate classification (germline): Uncertain significance. Review status: criteria provided, multiple submitters, no conflicts (2 of 4 stars). 4 submissions from 4 submitters: Uncertain significance (4). Last evaluated 2026-08-08.

Conditions:
PLEC-related disorder. Also called: PLEC-related condition; PLEC-related disorders.
Epidermolysis bullosa simplex, Ogna type (EBS5A). Also called: EPIDERMOLYSIS BULLOSA SIMPLEX 5A, OGNA TYPE; Pidermolysis bullosa simplex 5A, Ogna type. Identifiers: Orphanet 79401, MedGen C0432317, MONDO:0007555, OMIM 131950.
Epidermolysis bullosa simplex 5C, with pyloric atresia (EBS5C). Also called: PLEC1-Related Epidermolysis Bullosa with Pyloric Atresia; PLEC-Related Epidermolysis Bullosa with Pyloric Atresia; Epidermolysis bullosa simplex with pyloric atresia. Identifiers: Orphanet 158684, MedGen C2677349, MONDO:0012807, OMIM 612138.
Autosomal recessive limb-girdle muscular dystrophy type 2Q (LGMDR17). Also called: MUSCULAR DYSTROPHY, LIMB-GIRDLE, AUTOSOMAL RECESSIVE 17. Identifiers: Orphanet 254361, MedGen C3150989, MONDO:0013390, OMIM 613723.
Epidermolysis bullosa simplex 5B, with muscular dystrophy (EBS5B). Also called: EPIDERMOLYSIS BULLOSA SIMPLEX AND LIMB-GIRDLE MUSCULAR DYSTROPHY; Epidermolysis bullosa simplex with muscular dystrophy. Identifiers: Orphanet 257, MedGen C2931072, MONDO:0009181, OMIM 226670.
Epidermolysis bullosa simplex with nail dystrophy (EBS5D). Identifiers: MedGen C4225309, MONDO:0014661, OMIM 616487.
Inborn genetic diseases. Identifiers: MedGen C0950123, MeSH D030342.

Allele frequency attached by ClinVar (database versions not stated): gnomAD 0.00002; gnomAD exomes 0.00002; TOPMed 0.00002; ExAC 0.00010.
gnomAD v4.1: 33 of 1,612,046 alleles (0.002%); highest among the groups gnomAD compares: East Asian, 0.0089%; no homozygotes.

Submissions (4):

PreventionGenetics, part of Exact Sciences
Classification: Uncertain significance for PLEC-related condition. Last evaluated: 2026-08-08. Review status: criteria provided, single submitter. Criteria: ACMG Guidelines, 2015. Collection method: clinical testing. Allele origin: germline.
Comment: The PLEC c.350G>A variant is predicted to result in the amino acid substitution p.Arg117Gln. To our knowledge, this variant has not been reported in the literature. This variant is reported in 0.013% of alleles in individuals of European (Non-Finnish) descent in gnomAD. At this time, the clinical significance of this variant is uncertain due to the absence of conclusive functional and genetic evidence.

Ambry Genetics
Classification: Uncertain significance for Inborn genetic diseases. Last evaluated: 2025-05-06. Review status: criteria provided, single submitter. Criteria: Ambry Variant Classification Scheme 2023. Collection method: clinical testing. Allele origin: germline.

Labcorp Genetics (formerly Invitae), Labcorp
Classification: Uncertain significance for Autosomal recessive limb-girdle muscular dystrophy type 2Q; Epidermolysis bullosa simplex, Ogna type; Epidermolysis bullosa simplex with nail dystrophy; Epidermolysis bullosa simplex 5C, with pyloric atresia; Epidermolysis bullosa simplex 5B, with muscular dystrophy. Last evaluated: 2025-04-21. Review status: criteria provided, single submitter. Criteria: Invitae Variant Classification Sherloc (09022015). Collection method: clinical testing. Allele origin: germline.
Comment: This sequence change replaces arginine, which is basic and polar, with glutamine, which is neutral and polar, at codon 117 of the PLEC protein (p.Arg117Gln). This variant is present in population databases (rs782376931, gnomAD 0.01%). This variant has not been reported in the literature in individuals affected with PLEC-related conditions. ClinVar contains an entry for this variant (Variation ID: 2051754). Experimental studies and prediction algorithms are not available or were not evaluated, and the functional significance of this variant is currently unknown. In summary, the available evidence is currently insufficient to determine the role of this variant in disease. Therefore, it has been classified as a Variant of Uncertain Significance.

Revvity Omics, Revvity
Classification: Uncertain significance. Last evaluated: 2023-08-29. Review status: criteria provided, single submitter. Criteria: ACMG Guidelines, 2015. Collection method: clinical testing. Allele origin: germline.